The following is an entry in ClinVar:

NM_024996.7(GFM1):c.1323+83A>G

Gene: GFM1 (G elongation factor mitochondrial 1; plus strand). Cytogenetic location: 3q25.32.
Variant type: single nucleotide variant.
Coding change: c.1323+83A>G on transcript NM_024996.7 (MANE Select); 83 bases into the intron after coding-DNA position 1323, A replaced by G.
Molecular consequence: intron variant.
Genome position (GRCh38, 1-based): chr3:158,661,058, A>G. VCF-style: chr3-158661058-A-G. GRCh37 (hg19) VCF-style: chr3-158378847-A-G.
Other names: c.1380+83A>G (NM_001308164.2); c.1098+83A>G (NM_001374357.1); c.1242+83A>G (NM_001374355.1); c.1206+83A>G (NM_001374356.1); c.756+83A>G (NM_001374359.1, NM_001374360.1); c.639+83A>G (NM_001374361.1); c.864+83A>G (NM_001374358.1); c.1323+83A>G (NM_001308166.2).
Identifiers: ClinVar variation 671554 (VCV000671554.5), dbSNP rs2291595, ClinGen allele CA11560249.

ClinVar aggregate classification (germline): Benign. Review status: criteria provided, multiple submitters, no conflicts (2 of 4 stars). 3 submissions from 3 submitters: Benign (3). Last evaluated 2021-07-10.

Conditions:
Hepatoencephalopathy due to combined oxidative phosphorylation defect type 1. Also called: HEPATOENCEPHALOPATHY, EARLY FATAL PROGRESSIVE. Identifiers: Orphanet 137681, MedGen C1836797, MONDO:0012191, OMIM 609060.

Allele frequency attached by ClinVar (database versions not stated): TOPMed 0.15260; gnomAD 0.15507 and 0.15843; 1000 Genomes Project 30x 0.16474; 1000 Genomes Project 0.16753; gnomAD exomes 0.17479.
gnomAD v4.1: 190,594 of 1,106,158 alleles (17%); highest among the groups gnomAD compares: Admixed American, 23%; 17,301 homozygotes.

Submissions (3):

Genome-Nilou Lab
Classification: Benign for Hepatoencephalopathy due to combined oxidative phosphorylation defect type 1. Last evaluated: 2021-07-10. Review status: criteria provided, single submitter. Criteria: ACMG Guidelines, 2015. Collection method: clinical testing. Allele origin: germline. Affected: no.

GeneDx
Classification: Benign. Last evaluated: 2018-06-16. Review status: criteria provided, single submitter. Criteria: GeneDx Variant Classification (06012015). Collection method: clinical testing. Allele origin: germline. Affected: yes.
Comment: This variant is considered likely benign or benign based on one or more of the following criteria: it is a conservative change, it occurs at a poorly conserved position in the protein, it is predicted to be benign by multiple in silico algorithms, and/or has population frequency not consistent with disease.

Breakthrough Genomics
Classification: Benign. Review status: criteria provided, single submitter. Criteria: ACMG Guidelines, 2015. Collection method: not provided. Allele origin: germline. Inheritance: Autosomal recessive inheritance. Affected: yes.